The following is an entry in ClinVar:

ClinVar aggregate classification (germline): Uncertain significance (1 of 4 stars; one submission).

Conditions:
Familial sleep-related hypermotor epilepsy. Also called: Autosomal Dominant Sleep-Related Hypermotor (Hyperkinetic) Epilepsy. Identifiers: Orphanet 98784, MedGen C3696898, MONDO:0000030.

Submission:

Labcorp Genetics (formerly Invitae), Labcorp
Classification: Uncertain significance. Last evaluated: 2023-04-07. Review status: criteria provided, single submitter. Criteria: Invitae Variant Classification Sherloc (09022015). Collection method: clinical testing. Allele origin: germline.
Comment: In summary, the available evidence is currently insufficient to determine the role of this variant in disease. Therefore, it has been classified as a Variant of Uncertain Significance. Advanced modeling of protein sequence and biophysical properties (such as structural, functional, and spatial information, amino acid conservation, physicochemical variation, residue mobility, and thermodynamic stability) performed at Invitae indicates that this missense variant is not expected to disrupt CHRNA4 protein function. This variant has not been reported in the literature in individuals affected with CHRNA4-related conditions. This variant is not present in population databases (gnomAD no frequency). This sequence change replaces serine, which is neutral and polar, with arginine, which is basic and polar, at codon 396 of the CHRNA4 protein (p.Ser396Arg).

NM_000744.7(CHRNA4):c.1188C>A (p.Ser396Arg)

Gene: CHRNA4 (cholinergic receptor nicotinic alpha 4 subunit; minus strand). Cytogenetic location: 20q13.33.
Variant type: single nucleotide variant.
Coding change: c.1188C>A on transcript NM_000744.7 (MANE Select); coding-DNA position 1188, C replaced by A.
Protein change: p.Ser396Arg; replaces serine 396 with arginine.
Molecular consequence: missense variant. On other transcripts: non-coding transcript variant (1).
Genome position (GRCh38, 1-based): chr20:63,350,223, G>T on the plus strand (C>A on the coding strand, the complement: CHRNA4 is on the minus strand). VCF-style: chr20-63350223-G-T. GRCh37 (hg19) VCF-style: chr20-61981575-G-T.
Other names: c.660C>A, p.Ser220Arg (NM_001256573.2); short protein forms S220R, S396R.
Identifiers: ClinVar variation 2853339 (VCV002853339.3), dbSNP rs201164674, ClinGen allele CA409634144.